The following is an entry in ClinVar:

NM_000219.6(KCNE1):c.90G>A (p.Leu30=)

Gene: KCNE1 (potassium voltage-gated channel subfamily E regulatory subunit 1; minus strand). Cytogenetic location: 21q22.12.
Variant type: single nucleotide variant.
Coding change: c.90G>A on transcript NM_000219.6 (MANE Select); coding-DNA position 90, G replaced by A.
Protein change: p.Leu30=; no amino-acid change (leucine 30 retained).
Molecular consequence: synonymous variant.
Genome position (GRCh38, 1-based): chr21:34,449,545, C>T on the plus strand (G>A on the coding strand, the complement: KCNE1 is on the minus strand). VCF-style: chr21-34449545-C-T. GRCh37 (hg19) VCF-style: chr21-35821843-C-T.
Other names: c.90G>A, p.Leu30= (NM_001127668.4, NM_001127669.4, NM_001127670.4 and 4 more transcripts).
Identifiers: ClinVar variation 3374020 (VCV003374020.2).
Genomic context (GRCh38, chr21:34,449,545, plus strand): 5'-TACCATGAGGACGTAGAGGGCCTCCAGCTTGCCGTCACTGCTGCGGGGGGACCTGCGGGC[C>T]AGGCCCGACATGTTGCCACCCTGCTGAACTGTCTCCTGCCACAGCTTGGTCAGAAAGGGC-3'
Protein context (NP_000210.2, residues 20-40): TVQQGGNMSG[Leu30=]ARRSPRSSDG

Conditions:
Long QT syndrome 5 (LQT5). Identifiers: Orphanet 101016, Orphanet 768, MedGen C1867904, MONDO:0013372, OMIM 613695.

Submission:

Roden Lab, Vanderbilt University Medical Center
No classification provided (evidence only). Condition: Long QT syndrome 5. Review status: no classification provided. Collection method: in vitro. Allele origin: not applicable. Functional consequence: Effect on ion channel function.
ClinVar note: "not provided" was previously submitted as the classification for the variant. However, the classification appeared to be based only on an observation of functional data so it was converted to no classification on 2025-07-30.